The following is an entry in ClinVar:

ClinVar aggregate classification (germline): Uncertain significance (1 of 4 stars; one submission).

Conditions:
Hereditary cancer-predisposing syndrome. Also called: Neoplastic Syndromes, Hereditary; Hereditary Cancer Syndrome; Tumor predisposition; Hereditary neoplastic syndrome. Identifiers: Orphanet 140162, MedGen C0027672, MeSH D009386, MONDO:0015356.

Submission:

Ambry Genetics
Classification: Uncertain significance for Hereditary cancer-predisposing syndrome. Last evaluated: 2024-12-31. Review status: criteria provided, single submitter. Criteria: Ambry Variant Classification Scheme 2023. Collection method: clinical testing. Allele origin: germline.
Comment: The p.K186N variant (also known as c.558A>T), located in coding exon 3 of the RAD51C gene, results from an A to T substitution at nucleotide position 558. The lysine at codon 186 is replaced by asparagine, an amino acid with similar properties. This amino acid position is conserved. In addition, this alteration is predicted to be tolerated by in silico analysis. Based on the available evidence, the clinical significance of this variant remains unclear.

NM_058216.3(RAD51C):c.558A>T (p.Lys186Asn)

Gene: RAD51C (RAD51 paralog C; plus strand). Cytogenetic location: 17q22.
Variant type: single nucleotide variant.
Coding change: c.558A>T on transcript NM_058216.3 (MANE Select); coding-DNA position 558, A replaced by T.
Protein change: p.Lys186Asn; replaces lysine 186 with asparagine.
Molecular consequence: missense variant.
Genome position (GRCh38, 1-based): chr17:58,696,846, A>T. VCF-style: chr17-58696846-A-T. GRCh37 (hg19) VCF-style: chr17-56774207-A-T.
Other names: short protein forms K186N.
Identifiers: ClinVar variation 3786490 (VCV003786490.1).